The following is an entry in ClinVar:

NM_000152.5(GAA):c.2230C>T (p.Leu744Phe)

Gene: GAA (alpha glucosidase; plus strand). Cytogenetic location: 17q25.3.
Variant type: single nucleotide variant.
Coding change: c.2230C>T on transcript NM_000152.5 (MANE Select); coding-DNA position 2230, C replaced by T.
Protein change: p.Leu744Phe; replaces leucine 744 with phenylalanine.
Molecular consequence: missense variant.
Genome position (GRCh38, 1-based): chr17:80,117,008, C>T. VCF-style: chr17-80117008-C-T. GRCh37 (hg19) VCF-style: chr17-78090807-C-T.
Other names: c.2230C>T (LRG_673t1); c.2230C>T, p.Leu744Phe (NM_001079803.3, NM_001079804.3); short protein forms L744F.
Identifiers: ClinVar variation 526533 (VCV000526533.6), dbSNP rs1347832021, ClinGen allele CA401324759.

ClinVar aggregate classification (germline): Uncertain significance (1 of 4 stars; one submission).

Conditions:
Glycogen storage disease, type II (IOPD). Also called: CARDIOMEGALIA GLYCOGENICA DIFFUSA; GLYCOGENOSIS, GENERALIZED, CARDIAC FORM; GSD II; POMPE DISEASE, INFANTILE-ONSET; GLYCOGEN STORAGE DISEASE II, INFANTILE-ONSET; ACID ALPHA-GLUCOSIDASE DEFICIENCY, INFANTILE-ONSET. Identifiers: Orphanet 365, MedGen C0017921, MONDO:0009290, OMIM 232300.

Allele frequency attached by ClinVar (database versions not stated): gnomAD exomes below 0.00001.
gnomAD v4.1: 1 of 1,613,782 alleles (0.000062%); highest among the groups gnomAD compares: South Asian, 0.0011%; no homozygotes.

Submission:

Labcorp Genetics (formerly Invitae), Labcorp
Classification: Uncertain significance for Glycogen storage disease, type II. Last evaluated: 2021-08-24. Review status: criteria provided, single submitter. Criteria: Invitae Variant Classification Sherloc (09022015). Collection method: clinical testing. Allele origin: germline.
Comment: This sequence change replaces leucine with phenylalanine at codon 744 of the GAA protein (p.Leu744Phe). The leucine residue is moderately conserved and there is a small physicochemical difference between leucine and phenylalanine. This variant is not present in population databases (ExAC no frequency). This variant has not been reported in the literature in individuals affected with GAA-related conditions. Algorithms developed to predict the effect of missense changes on protein structure and function output the following: SIFT: "Tolerated"; PolyPhen-2: "Benign"; Align-GVGD: "Class C0". The phenylalanine amino acid residue is found in multiple mammalian species, which suggests that this missense change does not adversely affect protein function. In summary, the available evidence is currently insufficient to determine the role of this variant in disease. Therefore, it has been classified as a Variant of Uncertain Significance.